The following is an entry in ClinVar:

NM_006231.4(POLE):c.5833G>T (p.Gly1945Ter)

Gene: POLE (DNA polymerase epsilon, catalytic subunit; minus strand). Cytogenetic location: 12q24.33.
Variant type: single nucleotide variant.
Coding change: c.5833G>T on transcript NM_006231.4 (MANE Select); coding-DNA position 5833, G replaced by T.
Protein change: p.Gly1945Ter; replaces glycine 1945 with a stop codon.
Molecular consequence: nonsense.
Genome position (GRCh38, 1-based): chr12:132,634,357, C>A on the plus strand (G>T on the coding strand, the complement: POLE is on the minus strand). VCF-style: chr12-132634357-C-A. GRCh37 (hg19) VCF-style: chr12-133210943-C-A.
Other names: short protein forms G1945*.
Identifiers: ClinVar variation 4862280 (VCV004862280.1).

ClinVar aggregate classification (germline): Uncertain significance (1 of 4 stars; one submission).

Conditions:
Hereditary cancer-predisposing syndrome. Also called: Neoplastic Syndromes, Hereditary; Tumor predisposition; Hereditary Cancer Syndrome; Hereditary neoplastic syndrome. Identifiers: Orphanet 140162, MedGen C0027672, MeSH D009386, MONDO:0015356.

Submission:

Ambry Genetics
Classification: Uncertain significance for Hereditary cancer-predisposing syndrome. Last evaluated: 2026-04-23. Review status: criteria provided, single submitter. Criteria: Ambry Variant Classification Scheme 2023. Collection method: clinical testing. Allele origin: germline.
Comment: The p.G1945* variant (also known as c.5833G>T), located in coding exon 43 of the POLE gene, results from a G to T substitution at nucleotide position 5833. This changes the amino acid from a glycine to a stop codon within coding exon 43. This alteration is expected to result in loss of function by premature protein truncation or nonsense-mediated mRNA decay. Although biallelic loss of function of POLE has been associated with autosomal recessive POLE deficiency, haploinsufficiency of POLE has not been established as a mechanism of disease for POLE-related polymerase proofreading-associated polyposis (PPAP) and POLE-related CMMRD-like syndrome. Based on the supporting evidence, this variant is expected to be causative of POLE deficiency when present along with a second pathogenic variant on the other allele; however, its clinical significance for PPAP and POLE-related CMMRD-like syndrome is unclear.